The following is an entry in ClinVar:

ClinVar aggregate classification (germline): Uncertain significance (1 of 4 stars; one submission).

Allele frequency attached by ClinVar (database versions not stated): ExAC 0.00001; gnomAD 0.00001; TOPMed 0.00001.
gnomAD v4.1: 9 of 1,613,976 alleles (0.00056%); highest among the groups gnomAD compares: African/African-American, 0.012%; no homozygotes.

Submission:

Labcorp Genetics (formerly Invitae), Labcorp
Classification: Uncertain significance. Last evaluated: 2024-10-17. Review status: criteria provided, single submitter. Criteria: Invitae Variant Classification Sherloc (09022015). Collection method: clinical testing. Allele origin: germline.
Comment: This sequence change replaces serine, which is neutral and polar, with alanine, which is neutral and non-polar, at codon 2563 of the KMT2A protein (p.Ser2563Ala). This variant is present in population databases (rs782677866, gnomAD 0.01%). This variant has not been reported in the literature in individuals affected with KMT2A-related conditions. ClinVar contains an entry for this variant (Variation ID: 1899888). Invitae Evidence Modeling of protein sequence and biophysical properties (such as structural, functional, and spatial information, amino acid conservation, physicochemical variation, residue mobility, and thermodynamic stability) indicates that this missense variant is not expected to disrupt KMT2A protein function with a negative predictive value of 95%. In summary, the available evidence is currently insufficient to determine the role of this variant in disease. Therefore, it has been classified as a Variant of Uncertain Significance.

NM_001197104.2(KMT2A):c.7687T>G (p.Ser2563Ala)

Gene: KMT2A (lysine methyltransferase 2A; plus strand). Cytogenetic location: 11q23.3.
Variant type: single nucleotide variant.
Coding change: c.7687T>G on transcript NM_001197104.2 (MANE Select); coding-DNA position 7687, T replaced by G.
Protein change: p.Ser2563Ala; replaces serine 2563 with alanine.
Molecular consequence: missense variant.
Genome position (GRCh38, 1-based): chr11:118,503,579, T>G. VCF-style: chr11-118503579-T-G. GRCh37 (hg19) VCF-style: chr11-118374294-T-G.
Other names: c.7777T>G, p.Ser2593Ala (NM_001412597.1); c.7678T>G, p.Ser2560Ala (NM_005933.4); short protein forms S2593A, S2563A, S2560A.
Identifiers: ClinVar variation 1899888 (VCV001899888.5), dbSNP rs782677866, ClinGen allele CA6304424.